The following is an entry in ClinVar:

NM_001375567.1(FOCAD):c.805A>G (p.Ser269Gly)

Gene: FOCAD (focadhesin; plus strand). Cytogenetic location: 9p21.3.
Variant type: single nucleotide variant.
Coding change: c.805A>G on transcript NM_001375567.1 (MANE Select); coding-DNA position 805, A replaced by G.
Protein change: p.Ser269Gly; replaces serine 269 with glycine.
Molecular consequence: missense variant.
Genome position (GRCh38, 1-based): chr9:20,770,137, A>G. VCF-style: chr9-20770137-A-G. GRCh37 (hg19) VCF-style: chr9-20770136-A-G.
Other names: c.805A>G, p.Ser269Gly (NM_001375568.1, NM_017794.5); c.700A>G, p.Ser234Gly (NM_001375570.1); short protein forms S234G, S269G.
Identifiers: ClinVar variation 3349752 (VCV003349752.1).

ClinVar aggregate classification (germline): Uncertain significance (0 of 4 stars; one submission).

Conditions:
FOCAD-related disorder. Also called: FOCAD-related condition.

gnomAD v4.1: 6 of 1,613,994 alleles (0.00037%); highest among the groups gnomAD compares: Admixed American, 0.0083%; no homozygotes.

Submission:

PreventionGenetics, part of Exact Sciences
Classification: Uncertain significance for FOCAD-related condition. Last evaluated: 2024-03-05. Review status: no assertion criteria provided. Collection method: clinical testing. Allele origin: germline.
Comment: The FOCAD c.805A>G variant is predicted to result in the amino acid substitution p.Ser269Gly. To our knowledge, this variant has not been reported in the literature. This variant is reported in 0.012% of alleles in individuals of Latino descent in gnomAD. At this time, the clinical significance of this variant is uncertain due to the absence of conclusive functional and genetic evidence.